The following is an entry in ClinVar:

ClinVar aggregate classification (germline): Likely pathogenic. Review status: criteria provided, multiple submitters, no conflicts (2 of 4 stars). 2 submissions from 2 submitters: Likely pathogenic (2). Last evaluated 2025-12-01.

Conditions:
Menke-Hennekam syndrome 1 (MKHK1). Identifiers: MedGen C5193034, MONDO:0020763, OMIM 618332.
Cone-rod dystrophy. Also called: Cone/cone-rod dystrophy; Cone-rod degeneration. Identifiers: Orphanet 1872, MedGen C4085590, MONDO:0015993, HP:0000548.

Submissions (2):

3billion
Classification: Likely pathogenic for Menke-Hennekam syndrome 1. Last evaluated: 2025-12-01. Review status: criteria provided, single submitter. Criteria: ACMG Guidelines, 2015. Collection method: clinical testing. Allele origin: germline. Affected: yes.
Comment: The variant is not observed in the gnomAD v4.1.0 dataset. Predicted Consequence/Location: Missense variant In silico tool predictions suggest damaging effect of the variant on gene or gene product [REVEL: 0.98 (>=0.6, sensitivity 0.68 and specificity 0.92); 3Cnet: 0.93 (> 0.75, sensitivity 0.96 and precision 0.92)]. The same nucleotide change resulting in the same amino acid change has been previously reported to be associated with CREBBP-related disorder (ClinVar ID: VCV004074786). Different missense changes at the same codon (p.Cys1729Ser, p.Cys1729Tyr) have been reported as pathogenic/likely pathogenic with strong evidence (ClinVar ID: VCV000869444, VCV000981321). Therefore, this variant is classified as Likely pathogenic according to the recommendation of ACMG/AMP guideline.

Cambridge Genomics Laboratory, East Genomic Laboratory Hub, NHS Genomic Medicine Service
Classification: Likely pathogenic for Cone-rod dystrophy. Last evaluated: 2020-03-27. Review status: criteria provided, single submitter. Criteria: ACGS Best Practice Guidelines for Variant Classification in Rare Disease 2020. Collection method: clinical testing. Allele origin: germline. Affected: yes. Observed: 1 variant allele.

NM_004380.3(CREBBP):c.5185T>C (p.Cys1729Arg)

Gene: CREBBP (CREB binding lysine acetyltransferase; minus strand). Cytogenetic location: 16p13.3.
Variant type: single nucleotide variant.
Coding change: c.5185T>C on transcript NM_004380.3 (MANE Select); coding-DNA position 5185, T replaced by C.
Protein change: p.Cys1729Arg; replaces cysteine 1729 with arginine.
Molecular consequence: missense variant.
Genome position (GRCh38, 1-based): chr16:3,729,862, A>G on the plus strand (T>C on the coding strand, the complement: CREBBP is on the minus strand). VCF-style: chr16-3729862-A-G. GRCh37 (hg19) VCF-style: chr16-3779863-A-G.
Other names: c.5071T>C, p.Cys1691Arg (NM_001079846.1); short protein forms C1691R, C1729R.
Identifiers: ClinVar variation 4074786 (VCV004074786.2).